The following is an entry in ClinVar:

ClinVar aggregate classification (germline): Uncertain significance. Review status: criteria provided, multiple submitters, no conflicts (2 of 4 stars). 4 submissions from 4 submitters: Uncertain significance (4). Last evaluated 2026-04-19.

Conditions:
Meckel syndrome, type 4 (MKS4). Also called: MECKEL-GRUBER SYNDROME, TYPE 4. Identifiers: Orphanet 564, MedGen C1970161, MONDO:0012626, OMIM 611134.
Bardet-Biedl syndrome 14 (BBS14). Identifiers: Orphanet 110, MedGen C2673874, MONDO:0014442, OMIM 615991.
Senior-Loken syndrome 6 (SLSN6). Identifiers: Orphanet 3156, MedGen C1857779, MONDO:0012433, OMIM 610189.
Joubert syndrome 5 (JBTS5). Identifiers: Orphanet 2318, MedGen C1857780, MONDO:0012432, OMIM 610188.
Leber congenital amaurosis 10 (LCA10). Identifiers: Orphanet 65, MedGen C1857821, MONDO:0012723, OMIM 611755.
CEP290-related disorder. Also called: CEP290-related condition; CEP290-related disorders. Identifiers: MedGen CN239314.
Inborn genetic diseases. Identifiers: MedGen C0950123, MeSH D030342.
Joubert syndrome. Also called: Familial aplasia of the vermis; JOUBERT-BOLTSHAUSER SYNDROME. Identifiers: Orphanet 475, MedGen C5979921, MONDO:0018772.
Nephronophthisis. Also called: Juvenile Nephronophthisis. Identifiers: Orphanet 655, MedGen C0687120, MONDO:0019005, HP:0000090.
Meckel-Gruber syndrome. Also called: Dysencephalia splachnocystica; GRUBER SYNDROME; DYSENCEPHALIA SPLANCHNOCYSTICA. Identifiers: Orphanet 564, MedGen C0265215, MONDO:0018921.

Allele frequency attached by ClinVar (database versions not stated): gnomAD exomes below 0.00001; gnomAD 0.00001 and 0.00002; TOPMed 0.00002.
gnomAD v4.1: 4 of 1,611,500 alleles (0.00025%); highest among the groups gnomAD compares: African/African-American, 0.004%; no homozygotes.

Submissions (4):

PreventionGenetics, part of Exact Sciences
Classification: Uncertain significance for CEP290-related condition. Last evaluated: 2026-04-19. Review status: criteria provided, single submitter. Criteria: ACMG Guidelines, 2015. Collection method: clinical testing. Allele origin: germline.
Comment: The CEP290 c.3899T>C variant is predicted to result in the amino acid substitution p.Ile1300Thr. To our knowledge, this variant has not been reported in the literature or in a large population database (gnomAD), indicating this variant is rare. At this time, the clinical significance of this variant is uncertain due to the absence of conclusive functional and genetic evidence.

Ambry Genetics
Classification: Uncertain significance for Inborn genetic diseases. Last evaluated: 2024-09-27. Review status: criteria provided, single submitter. Criteria: Ambry Variant Classification Scheme 2023. Collection method: clinical testing. Allele origin: germline.

Fulgent Genetics
Classification: Uncertain significance for Joubert syndrome 5; Senior-Loken syndrome 6; Meckel syndrome, type 4; Leber congenital amaurosis 10; Bardet-Biedl syndrome 14. Last evaluated: 2022-02-17. Review status: criteria provided, single submitter. Criteria: ACMG Guidelines, 2015. Collection method: clinical testing. Allele origin: unknown.

Labcorp Genetics (formerly Invitae), Labcorp
Classification: Uncertain significance for Joubert syndrome; Meckel-Gruber syndrome; Nephronophthisis. Last evaluated: 2021-09-24. Review status: criteria provided, single submitter. Criteria: Invitae Variant Classification Sherloc (09022015). Collection method: clinical testing. Allele origin: germline.
Comment: This sequence change replaces isoleucine with threonine at codon 1300 of the CEP290 protein (p.Ile1300Thr). The isoleucine residue is moderately conserved and there is a moderate physicochemical difference between isoleucine and threonine. This variant is not present in population databases (ExAC no frequency). This variant has not been reported in the literature in individuals with CEP290-related conditions. Algorithms developed to predict the effect of missense changes on protein structure and function (SIFT, PolyPhen-2, Align-GVGD) all suggest that this variant is likely to be tolerated, but these predictions have not been confirmed by published functional studies and their clinical significance is uncertain. In summary, the available evidence is currently insufficient to determine the role of this variant in disease. Therefore, it has been classified as a Variant of Uncertain Significance.

NM_025114.4(CEP290):c.3899T>C (p.Ile1300Thr)

Gene: CEP290 (centrosomal protein 290; minus strand). Cytogenetic location: 12q21.32.
Variant type: single nucleotide variant.
Coding change: c.3899T>C on transcript NM_025114.4 (MANE Select); coding-DNA position 3899, T replaced by C.
Protein change: p.Ile1300Thr; replaces isoleucine 1300 with threonine.
Molecular consequence: missense variant.
Genome position (GRCh38, 1-based): chr12:88,089,162, A>G on the plus strand (T>C on the coding strand, the complement: CEP290 is on the minus strand). VCF-style: chr12-88089162-A-G. GRCh37 (hg19) VCF-style: chr12-88482939-A-G.
Other names: c.3899T>C (NM_025114.3); short protein forms I1300T.
Identifiers: ClinVar variation 1374521 (VCV001374521.8), dbSNP rs1460182061, ClinGen allele CA386000461.